The following is an entry in ClinVar:

NM_002439.5(MSH3):c.3103A>G (p.Ser1035Gly)

Gene: MSH3 (mutS homolog 3; plus strand). Cytogenetic location: 5q14.1.
Variant type: single nucleotide variant.
Coding change: c.3103A>G on transcript NM_002439.5 (MANE Select); coding-DNA position 3103, A replaced by G.
Protein change: p.Ser1035Gly; replaces serine 1035 with glycine.
Molecular consequence: missense variant.
Genome position (GRCh38, 1-based): chr5:80,864,915, A>G. VCF-style: chr5-80864915-A-G. GRCh37 (hg19) VCF-style: chr5-80160734-A-G.
Other names: c.3103A>G (NM_002439.3); short protein forms S1035G.
Identifiers: ClinVar variation 1043721 (VCV001043721.9), dbSNP rs1746074934, ClinGen allele CA360346404.

ClinVar aggregate classification (germline): Uncertain significance. Review status: criteria provided, multiple submitters, no conflicts (2 of 4 stars). 2 submissions from 2 submitters: Uncertain significance (2). Last evaluated 2026-07-06.

Conditions:
Hereditary cancer-predisposing syndrome. Also called: Tumor predisposition; Hereditary Cancer Syndrome; Hereditary neoplastic syndrome; Neoplastic Syndromes, Hereditary. Identifiers: Orphanet 140162, MedGen C0027672, MeSH D009386, MONDO:0015356.

Submissions (2):

Ambry Genetics
Classification: Uncertain significance for Hereditary cancer-predisposing syndrome. Last evaluated: 2026-07-06. Review status: criteria provided, single submitter. Criteria: Ambry Variant Classification Scheme 2023. Collection method: clinical testing. Allele origin: germline.
Comment: The p.S1035G variant (also known as c.3103A>G), located in coding exon 22 of the MSH3 gene, results from an A to G substitution at nucleotide position 3103. The serine at codon 1035 is replaced by glycine, an amino acid with similar properties. This amino acid position is conserved. In addition, this alteration is predicted to be tolerated by in silico analysis. Based on the available evidence, the clinical significance of this variant remains unclear.

Labcorp Genetics (formerly Invitae), Labcorp
Classification: Uncertain significance. Last evaluated: 2020-06-23. Review status: criteria provided, single submitter. Criteria: Invitae Variant Classification Sherloc (09022015). Collection method: clinical testing. Allele origin: germline.
Comment: Algorithms developed to predict the effect of sequence changes on RNA splicing suggest that this variant may create or strengthen a splice site, but this prediction has not been confirmed by published transcriptional studies. In summary, the available evidence is currently insufficient to determine the role of this variant in disease. Therefore, it has been classified as a Variant of Uncertain Significance. Algorithms developed to predict the effect of missense changes on protein structure and function (SIFT, PolyPhen-2, Align-GVGD) all suggest that this variant is likely to be tolerated, but these predictions have not been confirmed by published functional studies and their clinical significance is uncertain. This variant has not been reported in the literature in individuals with MSH3-related conditions. This variant is not present in population databases (ExAC no frequency). This sequence change replaces serine with glycine at codon 1035 of the MSH3 protein (p.Ser1035Gly). The serine residue is weakly conserved and there is a small physicochemical difference between serine and glycine.